The following is an entry in ClinVar:

ClinVar aggregate classification (germline): Uncertain significance (1 of 4 stars; one submission).

Conditions:
Cardiovascular phenotype. Identifiers: MedGen CN230736.

gnomAD v4.1: 1 of 1,612,108 alleles (0.000062%); highest among the groups gnomAD compares: Non-Finnish European, 0.000085%; no homozygotes.

Submissions (2):

Ambry Genetics
Classification: Uncertain significance for Cardiovascular phenotype. Last evaluated: 2025-12-02. Review status: criteria provided, single submitter. Criteria: Ambry Variant Classification Scheme 2023. Collection method: clinical testing. Allele origin: germline.
Comment: The p.R283C variant (also known as c.847C>T), located in coding exon 4 of the RASA1 gene, results from a C to T substitution at nucleotide position 847. The arginine at codon 283 is replaced by cysteine, an amino acid with highly dissimilar properties. This amino acid position is conserved. In addition, the in silico prediction for this alteration is inconclusive. Based on the available evidence, the clinical significance of this variant remains unclear.

Dr. Peter K. Rogan Lab, Western University
No classification provided (evidence only). Condition: Squamous cell lung carcinoma. Review status: no classification provided. Collection method: in vitro. Allele origin: not applicable. Functional consequence: retained intron. Not counted in ClinVar's aggregate classification.

NM_002890.3(RASA1):c.847C>T (p.Arg283Cys)

Genes: CCNH (cyclin H; minus strand), RASA1 (RAS p21 protein activator 1; plus strand). Cytogenetic location: 5q14.3.
Variant type: single nucleotide variant.
Coding change: c.847C>T on transcript NM_002890.3 (MANE Select); coding-DNA position 847, C replaced by T.
Protein change: p.Arg283Cys; replaces arginine 283 with cysteine.
Molecular consequence: missense variant. On other transcripts: intron variant (1).
Genome position (GRCh38, 1-based): chr5:87,333,285, C>T. VCF-style: chr5-87333285-C-T. GRCh37 (hg19) VCF-style: chr5-86629102-C-T.
Other names: NC_000005.9:g.86629102C>T; c.316C>T, p.Arg106Cys (NM_022650.3); c.934-20490G>A (NM_001364075.2); short protein forms R106C, R283C.
Identifiers: ClinVar variation 4318735 (VCV004318735.1).